The following is an entry in ClinVar:

NM_006841.6(SLC38A3):c.1134G>T (p.Thr378=)

Gene: SLC38A3 (solute carrier family 38 member 3; plus strand). Cytogenetic location: 3p21.31.
Variant type: single nucleotide variant.
Coding change: c.1134G>T on transcript NM_006841.6 (MANE Select); coding-DNA position 1134, G replaced by T.
Protein change: p.Thr378=; no amino-acid change (threonine 378 retained).
Molecular consequence: synonymous variant.
Genome position (GRCh38, 1-based): chr3:50,218,690, G>T. VCF-style: chr3-50218690-G-T. GRCh37 (hg19) VCF-style: chr3-50256122-G-T.
Identifiers: ClinVar variation 5039462 (VCV005039462.1).
Genomic context (GRCh38, chr3:50,218,690, plus strand): 5'-GGTGGACCCGTTTGACGTCCTGATCCTGTGTGTGCGCGTGGCCGTGCTGACAGCAGTCAC[G>T]CTCACAGTGCCCATCGTTCTGTTCCCGGTGAGCTGGTGGGCAGGTGGCTAGACTAGTGGC-3'
Protein context (NP_006832.1, residues 368-388): CVRVAVLTAV[Thr378=]LTVPIVLFPV

ClinVar aggregate classification (germline): Likely benign (1 of 4 stars; one submission).

Submission:

CeGaT Center for Human Genetics Tuebingen
Classification: Likely benign. Last evaluated: 2026-09-01. Review status: criteria provided, single submitter. Criteria: CeGaT Center For Human Genetics Tuebingen Variant Classification Criteria Version 2. Collection method: clinical testing. Allele origin: germline. Affected: yes. Observed: 2 variant alleles.
Comment: SLC38A3: BP4, BP7